The following is an entry in ClinVar:

ClinVar aggregate classification (germline): Conflicting classifications of pathogenicity. Review status: criteria provided, conflicting classifications (1 of 4 stars). 3 submissions from 2 submitters: Uncertain significance (2); Benign (1). Last evaluated 2022-07-01.

Conditions:
Greig cephalopolysyndactyly syndrome (GCPS). Also called: GLI3-Related Greig Cephalopolysyndactyly Syndrome; POLYSYNDACTYLY WITH PECULIAR SKULL SHAPE; Greig syndrome. Identifiers: Orphanet 380, MedGen C0265306, MONDO:0008287, OMIM 175700.
Polydactyly. Also called: polydactylism. Identifiers: MedGen C0152427, MONDO:0021003, OMIM 603596, HP:0010442.

Allele frequency attached by ClinVar (database versions not stated): 1000 Genomes Project 30x 0.00109; TOPMed 0.00138; gnomAD 0.00139 and 0.00142.

Submissions (3):

CeGaT Center for Human Genetics Tuebingen
Classification: Benign. Last evaluated: 2022-07-01. Review status: criteria provided, single submitter. Criteria: CeGaT Center For Human Genetics Tuebingen Variant Classification Criteria Version 2. Collection method: clinical testing. Allele origin: germline. Affected: yes. Observed: 1 variant allele.
Comment: GLI3: BS1, BS2

Illumina Laboratory Services, Illumina
Classification: Uncertain significance for Greig cephalopolysyndactyly syndrome. Last evaluated: 2018-01-13. Review status: criteria provided, single submitter. Criteria: ICSL Variant Classification Criteria 13 December 2019. Collection method: clinical testing. Allele origin: germline.

Illumina Laboratory Services, Illumina
Classification: Uncertain significance for Polydactyly. Last evaluated: 2018-01-13. Review status: criteria provided, single submitter. Criteria: ICSL Variant Classification Criteria 13 December 2019. Collection method: clinical testing. Allele origin: germline.

NM_000168.6(GLI3):c.*2666G>A

Gene: GLI3 (GLI family zinc finger 3; minus strand). Cytogenetic location: 7p14.1.
Variant type: single nucleotide variant.
Coding change: c.*2666G>A on transcript NM_000168.6 (MANE Select); 2666 bases downstream of the stop codon, G replaced by A.
Molecular consequence: 3 prime UTR variant.
Genome position (GRCh38, 1-based): chr7:41,961,664, C>T on the plus strand (G>A on the coding strand, the complement: GLI3 is on the minus strand). VCF-style: chr7-41961664-C-T. GRCh37 (hg19) VCF-style: chr7-42001262-C-T.
Identifiers: ClinVar variation 360165 (VCV000360165.30), dbSNP rs117987369, ClinGen allele CA10629187.